The following is an entry in ClinVar:

ClinVar aggregate classification (germline): Likely benign. Review status: criteria provided, single submitter (1 of 4 stars). 2 submissions from 2 submitters: Likely benign (1). 1 of the submissions does not count toward it. Last evaluated 2024-11-28.

Conditions:
SMPD1-related disorder. Also called: SMPD1-related condition.
Niemann-Pick disease, type B. Also called: Chronic Visceral ASMD (Niemann-Pick Disease Type B; NPD-B). Identifiers: Orphanet 77293, MedGen C0268243, MONDO:0011871, OMIM 607616. Disease mechanism: loss of function.
Niemann-Pick disease, type A. Also called: SPHINGOMYELIN LIPIDOSIS; SPHINGOMYELINASE DEFICIENCY; Infantile Neurovisceral ASMD (Niemann-Pick Disease Type A; NPD-A). Identifiers: Orphanet 77292, MedGen C0268242, MONDO:0009756, OMIM 257200. Disease mechanism: loss of function.

gnomAD v4.1: 24 of 1,613,790 alleles (0.0015%); highest among the groups gnomAD compares: South Asian, 0.0022%; no homozygotes.

Submissions (2):

Labcorp Genetics (formerly Invitae), Labcorp
Classification: Likely benign for Niemann-Pick disease, type B; Niemann-Pick disease, type A. Last evaluated: 2024-11-28. Review status: criteria provided, single submitter. Criteria: Invitae Variant Classification Sherloc (09022015). Collection method: clinical testing. Allele origin: germline.

PreventionGenetics, part of Exact Sciences
Classification: Likely benign for SMPD1-related condition. Last evaluated: 2021-09-17. Review status: no assertion criteria provided. Collection method: clinical testing. Allele origin: germline. Not counted in ClinVar's aggregate classification.
Comment: This variant is classified as likely benign based on ACMG/AMP sequence variant interpretation guidelines (Richards et al. 2015 PMID: 25741868, with internal and published modifications).

NM_000543.5(SMPD1):c.1227G>C (p.Val409=)

Gene: SMPD1 (sphingomyelin phosphodiesterase 1; plus strand). Cytogenetic location: 11p15.4.
Variant type: single nucleotide variant.
Coding change: c.1227G>C on transcript NM_000543.5 (MANE Select); coding-DNA position 1227, G replaced by C.
Protein change: p.Val409=; no amino-acid change (valine 409 retained).
Molecular consequence: synonymous variant. On other transcripts: non-coding transcript variant (1), intron variant (1).
Genome position (GRCh38, 1-based): chr11:6,393,351, G>C. VCF-style: chr11-6393351-G-C. GRCh37 (hg19) VCF-style: chr11-6414581-G-C.
Other names: c.1224G>C, p.Val408= (NM_001007593.3); c.1227G>C, p.Val409= (NM_001318087.2); c.306G>C, p.Val102= (NM_001318088.2); c.1132-266G>C (NM_001365135.2); c.1227G>C (NM_000543.4).
Identifiers: ClinVar variation 1147327 (VCV001147327.11), dbSNP rs768283171, ClinGen allele CA5852816.
Genomic context (GRCh38, chr11:6,393,351, plus strand): 5'-TGAGAACTTCTGGCTCTTGATCAACTCCACGGATCCCGCAGGACAGCTCCAGTGGCTGGT[G>C]GGGGAGCTTCAGGCTGCTGAGGATCGAGGAGACAAAGTGAGGGCCAGTAGTGGGAACACG-3'
Protein context (NP_000534.3, residues 399-419): TDPAGQLQWL[Val409=]GELQAAEDRG